The following is an entry in ClinVar:

ClinVar aggregate classification (germline): Benign/Likely benign. Review status: criteria provided, multiple submitters, no conflicts (2 of 4 stars). 7 submissions from 7 submitters: Benign (1); Likely benign (6). Last evaluated 2025-12-29.

Conditions:
Hereditary cancer-predisposing syndrome. Also called: Neoplastic Syndromes, Hereditary; Tumor predisposition; Hereditary Cancer Syndrome; Hereditary neoplastic syndrome. Identifiers: Orphanet 140162, MedGen C0027672, MeSH D009386, MONDO:0015356.
Peutz-Jeghers syndrome (PJS). Also called: POLYPOSIS, HAMARTOMATOUS INTESTINAL; POLYPS-AND-SPOTS SYNDROME; Peutz-Jeghers polyposis; Periorificial lentiginosis syndrome. Identifiers: Orphanet 2869, MedGen C0031269, MeSH D010580, MONDO:0008280, OMIM 175200.

Allele frequency attached by ClinVar (database versions not stated): gnomAD exomes 0.00001; ExAC 0.00006.
gnomAD v4.1: 6 of 1,588,166 alleles (0.00038%); highest among the groups gnomAD compares: Non-Finnish European, 0.00034%; no homozygotes.

Submissions (7):

Center for Genomic Medicine, Rigshospitalet, Copenhagen University Hospital
Classification: Likely benign. Last evaluated: 2025-12-29. Review status: criteria provided, single submitter. Criteria: ACMG Guidelines, 2015. Collection method: clinical testing. Allele origin: germline.

Labcorp Genetics (formerly Invitae), Labcorp
Classification: Likely benign for Peutz-Jeghers syndrome. Last evaluated: 2025-07-02. Review status: criteria provided, single submitter. Criteria: Invitae Variant Classification Sherloc (09022015). Collection method: clinical testing. Allele origin: germline.

Myriad Genetics, Inc.
Classification: Benign for Peutz-Jeghers syndrome. Last evaluated: 2025-03-28. Review status: criteria provided, single submitter. Criteria: Myriad Autosomal Dominant, Autosomal Recessive and X-Linked Classification Criteria (2023). Collection method: clinical testing. Allele origin: unknown.
Comment: This variant is considered benign. This variant is a silent/synonymous amino acid change and it is not expected to impact splicing.

All of Us Research Program, National Institutes of Health
Classification: Likely benign for Peutz-Jeghers syndrome. Last evaluated: 2023-12-18. Review status: criteria provided, single submitter. Criteria: ACMG Guidelines, 2015. Collection method: clinical testing. Allele origin: germline. Inheritance: Autosomal dominant inheritance. Observed: 2 variant alleles, 2 heterozygotes.
Comment: This study involves interpretation of variants in research participants for the purpose of population health screening. Participant phenotype was not available at the time of variant classification. Additional details can be found in publication PMID: 35346344, PMCID: PMC8962531

Blueprint Genetics
Classification: Likely benign. Last evaluated: 2020-06-01. Review status: criteria provided, single submitter. Criteria: ACMG Guidelines, 2015. Collection method: clinical testing. Allele origin: germline.

Color Diagnostics, LLC DBA Color Health
Classification: Likely benign for Hereditary cancer-predisposing syndrome. Last evaluated: 2020-05-26. Review status: criteria provided, single submitter. Criteria: ACMG Guidelines, 2015. Collection method: clinical testing. Allele origin: germline.

Ambry Genetics
Classification: Likely benign for Hereditary cancer-predisposing syndrome. Last evaluated: 2017-07-20. Review status: criteria provided, single submitter. Criteria: Ambry Variant Classification Scheme 2023. Collection method: clinical testing. Allele origin: germline.

NM_000455.5(STK11):c.960G>A (p.Val320=)

Gene: STK11 (serine/threonine kinase 11; plus strand). Cytogenetic location: 19p13.3.
Variant type: single nucleotide variant.
Coding change: c.960G>A on transcript NM_000455.5 (MANE Select); coding-DNA position 960, G replaced by A.
Protein change: p.Val320=; no amino-acid change (valine 320 retained).
Molecular consequence: synonymous variant.
Genome position (GRCh38, 1-based): chr19:1,223,024, G>A. VCF-style: chr19-1223024-G-A. GRCh37 (hg19) VCF-style: chr19-1223023-G-A.
Identifiers: ClinVar variation 412549 (VCV000412549.19), dbSNP rs752961535, ClinGen allele CA049832.